The following is an entry in ClinVar:

NM_007194.4(CHEK2):c.583A>T (p.Arg195Ter)

Gene: CHEK2 (checkpoint kinase 2; minus strand). Cytogenetic location: 22q12.1.
Variant type: single nucleotide variant.
Coding change: c.583A>T on transcript NM_007194.4 (MANE Select); coding-DNA position 583, A replaced by T.
Protein change: p.Arg195Ter; replaces arginine 195 with a stop codon.
Molecular consequence: nonsense. On other transcripts: intron variant (1), 5 prime UTR variant (2).
Genome position (GRCh38, 1-based): chr22:28,724,986, T>A on the plus strand (A>T on the coding strand, the complement: CHEK2 is on the minus strand). VCF-style: chr22-28724986-T-A. GRCh37 (hg19) VCF-style: chr22-29120974-T-A.
Other names: c.712A>T, p.Arg238Ter (NM_001438294.1, NM_001005735.3); c.676A>T, p.Arg226Ter (NM_001438295.1, NM_001438293.1); c.583A>T, p.Arg195Ter (NM_145862.3); c.445-63A>T (NM_001349956.3); c.-195A>T (NM_001257387.3); c.-81A>T (NM_001437942.1); short protein forms R195*, R226*, R238*.
Identifiers: ClinVar variation 4734501 (VCV004734501.1).

ClinVar aggregate classification (germline): Pathogenic (1 of 4 stars; one submission).

Conditions:
Familial cancer of breast. Also called: hereditary breast carcinoma; BREAST CANCER, FAMILIAL; Hereditary breast cancer. Identifiers: Orphanet 227535, MedGen C0346153, MONDO:0016419, OMIM 114480. Disease mechanism: loss of function.

Submission:

Labcorp Genetics (formerly Invitae), Labcorp
Classification: Pathogenic for Familial cancer of breast. Last evaluated: 2025-12-31. Review status: criteria provided, single submitter. Criteria: Invitae Variant Classification Sherloc (09022015). Collection method: clinical testing. Allele origin: germline.
Comment: This sequence change creates a premature translational stop signal (p.Arg195*) in the CHEK2 gene. It is expected to result in an absent or disrupted protein product. Loss-of-function variants in CHEK2 are known to be pathogenic (PMID: 21876083, 24713400). This variant is not present in population databases (gnomAD no frequency). This variant has not been reported in the literature in individuals affected with CHEK2-related conditions. For these reasons, this variant has been classified as Pathogenic.

Literature cited by the submitters: PubMed 21876083; PubMed 24713400.